The following is an entry in ClinVar:

NM_003361.4(UMOD):c.951C>T (p.Cys317=)

Gene: UMOD (uromodulin; minus strand). Cytogenetic location: 16p12.3.
Variant type: single nucleotide variant.
Coding change: c.951C>T on transcript NM_003361.4 (MANE Select); coding-DNA position 951, C replaced by T.
Protein change: p.Cys317=; no amino-acid change (cysteine 317 retained).
Molecular consequence: synonymous variant. On other transcripts: non-coding transcript variant (1).
Genome position (GRCh38, 1-based): chr16:20,348,245, G>A on the plus strand (C>T on the coding strand, the complement: UMOD is on the minus strand). VCF-style: chr16-20348245-G-A. GRCh37 (hg19) VCF-style: chr16-20359567-G-A.
Other names: c.951C>T, p.Cys317= (NM_001008389.3, NM_001378232.1, NM_001378233.1 and 3 more transcripts); c.1050C>T, p.Cys350= (NM_001278614.2).
Identifiers: ClinVar variation 2646279 (VCV002646279.27), dbSNP rs780733403, ClinGen allele CA7939355.

ClinVar aggregate classification (germline): Likely benign. Review status: criteria provided, multiple submitters, no conflicts (2 of 4 stars). 2 submissions from 2 submitters: Likely benign (2). Last evaluated 2022-11-10.

Allele frequency attached by ClinVar (database versions not stated): gnomAD 0.00001; ExAC 0.00002.
gnomAD v4.1: 18 of 1,613,888 alleles (0.0011%); highest among the groups gnomAD compares: Admixed American, 0.01%; no homozygotes.

Submissions (2):

Labcorp Genetics (formerly Invitae), Labcorp
Classification: Likely benign. Last evaluated: 2022-11-10. Review status: criteria provided, single submitter. Criteria: Invitae Variant Classification Sherloc (09022015). Collection method: clinical testing. Allele origin: germline.

CeGaT Center for Human Genetics Tuebingen
Classification: Likely benign. Last evaluated: 2022-07-01. Review status: criteria provided, single submitter. Criteria: CeGaT Center For Human Genetics Tuebingen Variant Classification Criteria Version 2. Collection method: clinical testing. Allele origin: germline. Affected: yes. Observed: 1 variant allele.
Comment: UMOD: BP4, BP7